The following is an entry in ClinVar:

NM_031942.5(CDCA7):c.432G>A (p.Arg144=)

Gene: CDCA7 (cell division cycle associated 7; plus strand). Cytogenetic location: 2q31.1.
Variant type: single nucleotide variant.
Coding change: c.432G>A on transcript NM_031942.5 (MANE Select); coding-DNA position 432, G replaced by A.
Protein change: p.Arg144=; no amino-acid change (arginine 144 retained).
Molecular consequence: synonymous variant.
Genome position (GRCh38, 1-based): chr2:173,363,273, G>A. VCF-style: chr2-173363273-G-A. GRCh37 (hg19) VCF-style: chr2-174228001-G-A.
Other names: c.195G>A, p.Arg65= (NM_145810.3).
Identifiers: ClinVar variation 3035074 (VCV003035074.3), dbSNP rs773129433, ClinGen allele CA1971241.
Genomic context (GRCh38, chr2:173,363,273, plus strand): 5'-TTGTTGTGATTAGAGGCTGCAGTCAGTTCGGGAAGGCTGTAGGACCCGCAGCCAGTGCAG[G>A]CACTCTGGACCTCTCAGGGTGGCGATGAAGTTTCCAGCGCGGAGTACCAGGGGAGCAACC-3'
Protein context (NP_114148.3, residues 134-154): REGCRTRSQC[Arg144=]HSGPLRVAMK

ClinVar aggregate classification (germline): Likely benign. Review status: criteria provided, single submitter (1 of 4 stars). 2 submissions from 2 submitters: Likely benign (1). 1 of the submissions does not count toward it. Last evaluated 2025-11-12.

Conditions:
CDCA7-related disorder. Also called: CDCA7-related condition.

Allele frequency attached by ClinVar (database versions not stated): gnomAD 0.00001; gnomAD exomes 0.00001; TOPMed 0.00002; ExAC 0.00003.
gnomAD v4.1: 18 of 1,614,052 alleles (0.0011%); highest among the groups gnomAD compares: Admixed American, 0.028%; no homozygotes.

Submissions (2):

Labcorp Genetics (formerly Invitae), Labcorp
Classification: Likely benign. Last evaluated: 2025-11-12. Review status: criteria provided, single submitter. Criteria: Invitae Variant Classification Sherloc (09022015). Collection method: clinical testing. Allele origin: germline.

PreventionGenetics, part of Exact Sciences
Classification: Likely benign for CDCA7-related condition. Last evaluated: 2019-04-01. Review status: no assertion criteria provided. Collection method: clinical testing. Allele origin: germline. Not counted in ClinVar's aggregate classification.
Comment: This variant is classified as likely benign based on ACMG/AMP sequence variant interpretation guidelines (Richards et al. 2015 PMID: 25741868, with internal and published modifications).